The following is an entry in ClinVar:

ClinVar aggregate classification (germline): Uncertain significance (1 of 4 stars; one submission).

Conditions:
Hereditary cancer-predisposing syndrome. Also called: Neoplastic Syndromes, Hereditary; Tumor predisposition; Hereditary Cancer Syndrome; Hereditary neoplastic syndrome. Identifiers: Orphanet 140162, MedGen C0027672, MeSH D009386, MONDO:0015356.

Submission:

Ambry Genetics
Classification: Uncertain significance for Hereditary cancer-predisposing syndrome. Last evaluated: 2026-05-14. Review status: criteria provided, single submitter. Criteria: Ambry Variant Classification Scheme 2023. Collection method: clinical testing. Allele origin: germline.
Comment: The p.K845E variant (also known as c.2533A>G), located in coding exon 16 of the RAD50 gene, results from an A to G substitution at nucleotide position 2533. The lysine at codon 845 is replaced by glutamic acid, an amino acid with similar properties. This amino acid position is conserved. In addition, this alteration is predicted to be deleterious by in silico analysis. Based on the available evidence, the clinical significance of this variant remains unclear.

NM_005732.4(RAD50):c.2533A>G (p.Lys845Glu)

Gene: RAD50 (RAD50 double strand break repair protein; plus strand). Cytogenetic location: 5q31.1.
Variant type: single nucleotide variant.
Coding change: c.2533A>G on transcript NM_005732.4 (MANE Select); coding-DNA position 2533, A replaced by G.
Protein change: p.Lys845Glu; replaces lysine 845 with glutamic acid.
Molecular consequence: missense variant.
Genome position (GRCh38, 1-based): chr5:132,604,814, A>G. VCF-style: chr5-132604814-A-G. GRCh37 (hg19) VCF-style: chr5-131940506-A-G.
Other names: short protein forms K845E.
Identifiers: ClinVar variation 4862844 (VCV004862844.1).